The following is an entry in ClinVar:

NM_022765.4(MICAL1):c.2673+4A>T

Gene: MICAL1 (microtubule associated monooxygenase, calponin and LIM domain containing 1; minus strand). Cytogenetic location: 6q21.
Variant type: single nucleotide variant.
Coding change: c.2673+4A>T on transcript NM_022765.4 (MANE Select); 4 bases into the intron after coding-DNA position 2673, A replaced by T.
Molecular consequence: intron variant.
Genome position (GRCh38, 1-based): chr6:109,445,767, T>A on the plus strand (A>T on the coding strand, the complement: MICAL1 is on the minus strand). VCF-style: chr6-109445767-T-A. GRCh37 (hg19) VCF-style: chr6-109766970-T-A.
Other names: c.2730+4A>T (NM_001286613.2); c.2415+4A>T (NM_001159291.2).
Identifiers: ClinVar variation 3708588 (VCV003708588.2).
Genomic context (GRCh38, chr6:109,445,767, plus strand): 5'-CCAGTGCAGGTTTCTCCTGTAGTGGGCTGGAGAGCGTTTTGTGGCTGCACGCTGGCCCAC[T>A]CACCTGTTCCACATCTGAGTCCAAAGGCACATCTTCTTCTTCCTCTTCACTGGAGAAGGG-3'

ClinVar aggregate classification (germline): Uncertain significance (1 of 4 stars; one submission).

gnomAD v4.1: 5 of 1,609,562 alleles (0.00031%); highest among the groups gnomAD compares: Admixed American, 0.0034%; no homozygotes.

Submission:

Labcorp Genetics (formerly Invitae), Labcorp
Classification: Uncertain significance. Last evaluated: 2025-01-30. Review status: criteria provided, single submitter. Criteria: Invitae Variant Classification Sherloc (09022015). Collection method: clinical testing. Allele origin: germline.
Comment: This sequence change falls in intron 20 of the MICAL1 gene. It does not directly change the encoded amino acid sequence of the MICAL1 protein. It affects a nucleotide within the consensus splice site. This variant is not present in population databases (gnomAD no frequency). This variant has not been reported in the literature in individuals affected with MICAL1-related conditions. Variants that disrupt the consensus splice site are a relatively common cause of aberrant splicing (PMID: 17576681, 9536098). Algorithms developed to predict the effect of sequence changes on RNA splicing suggest that this variant is not likely to affect RNA splicing. In summary, the available evidence is currently insufficient to determine the role of this variant in disease. Therefore, it has been classified as a Variant of Uncertain Significance.

Literature cited by the submitters: PubMed 17576681; PubMed 9536098.